The following is an entry in ClinVar:

NM_000152.5(GAA):c.664G>A (p.Val222Met)

Gene: GAA (alpha glucosidase; plus strand). Cytogenetic location: 17q25.3.
Variant type: single nucleotide variant.
Coding change: c.664G>A on transcript NM_000152.5 (MANE Select); coding-DNA position 664, G replaced by A.
Protein change: p.Val222Met; replaces valine 222 with methionine.
Molecular consequence: missense variant.
Genome position (GRCh38, 1-based): chr17:80,105,866, G>A. VCF-style: chr17-80105866-G-A. GRCh37 (hg19) VCF-style: chr17-78079665-G-A.
Other names: c.664G>A, p.Val222Met (NM_001079803.3, NM_001079804.3); c.664G>A (NM_000152.4, LRG_673t1); short protein forms V222M.
Identifiers: ClinVar variation 290223 (VCV000290223.56), dbSNP rs374569672, ClinGen allele CA8814957.
Genomic context (GRCh38, chr17:80,105,866, plus strand): 5'-AGCCGGGCACCGTCCCCACTCTACAGCGTGGAGTTCTCCGAGGAGCCCTTCGGGGTGATC[G>A]TGCGCCGGCAGCTGGACGGCCGCGTGCTGTGAGTTCTGGGCTCTGTGCCAGCATGATGGG-3'
Protein context (NP_000143.2, residues 212-232): EFSEEPFGVI[Val222Met]RRQLDGRVLL

ClinVar aggregate classification (germline): Benign/Likely benign. Review status: criteria provided, multiple submitters, no conflicts (2 of 4 stars). 11 submissions from 11 submitters: Benign (1); Likely benign (8). 2 of the submissions do not count toward it. Last evaluated 2026-07-01.

Conditions:
Cardiovascular phenotype. Identifiers: MedGen CN230736.
Glycogen storage disease, type II (IOPD). Also called: POMPE DISEASE, INFANTILE-ONSET; GLYCOGEN STORAGE DISEASE II, INFANTILE-ONSET; ACID ALPHA-GLUCOSIDASE DEFICIENCY, INFANTILE-ONSET; GAA DEFICIENCY, INFANTILE-ONSET; ACID MALTASE DEFICIENCY, INFANTILE-ONSET; Glucosidase acid-1,4-alpha deficiency. Identifiers: Orphanet 365, MedGen C0017921, MONDO:0009290, OMIM 232300.
GAA-related disorder. Also called: GAA-related condition.

Allele frequency attached by ClinVar (database versions not stated): ESP Exome Variant Server 0.00008; gnomAD 0.00009 and 0.00025; TOPMed 0.00012; gnomAD exomes 0.00040 and 0.00077; ExAC 0.00090; 1000 Genomes Project 30x 0.00156; 1000 Genomes Project 0.00180.
gnomAD v4.1: 625 of 1,603,876 alleles (0.039%); highest among the groups gnomAD compares: South Asian, 0.5%; 11 homozygotes.

Submissions (11):

CeGaT Center for Human Genetics Tuebingen
Classification: Likely benign. Last evaluated: 2026-07-01. Review status: criteria provided, single submitter. Criteria: CeGaT Center For Human Genetics Tuebingen Variant Classification Criteria Version 2. Collection method: clinical testing. Allele origin: germline. Affected: yes. Observed: 2 variant alleles.
Comment: GAA: BS2

Genomenon, Inc
Classification: Likely benign for Glycogen storage disease, type II. Last evaluated: 2026-07-01. Review status: criteria provided, single submitter. Criteria: Genomenon Sequence Variant Interpretation Standards - Updated. Collection method: curation. Allele origin: germline. Affected: yes.
Comment: GAA p.Val222Met (c.664G>A) is a missense variant that changes the amino acid at codon 222 from Valine to Methionine. This variant has been observed in at least one proband with a GAA-related disorder (PMID:36310651;36246652;33202836;33073003). Functional studies have been reported (PMID:36246652;22644586). In silico models predict that this variant is not damaging. This variant’s allele frequency in gnomAD is greater than expected for this disorder. In conclusion, we classify GAA p.Val222Met (c.664G>A) as a likely benign variant.

Labcorp Genetics (formerly Invitae), Labcorp
Classification: Likely benign for Glycogen storage disease, type II. Last evaluated: 2026-01-29. Review status: criteria provided, single submitter. Criteria: Invitae Variant Classification Sherloc (09022015). Collection method: clinical testing. Allele origin: germline.

Ambry Genetics
Classification: Likely benign for Cardiovascular phenotype. Last evaluated: 2025-12-12. Review status: criteria provided, single submitter. Criteria: Ambry Variant Classification Scheme 2023. Collection method: clinical testing. Allele origin: germline.

Mayo Clinic Laboratories, Mayo Clinic
Classification: Likely benign. Last evaluated: 2023-12-31. Review status: criteria provided, single submitter. Criteria: ACMG Guidelines, 2015. Collection method: clinical testing. Allele origin: germline. Observed: 1 variant allele.
Comment: BS1, BP4

Women's Health and Genetics/Laboratory Corporation of America, LabCorp
Classification: Likely benign. Last evaluated: 2022-03-21. Review status: criteria provided, single submitter. Criteria: LabCorp Variant Classification Summary - May 2015. Collection method: clinical testing. Allele origin: germline.
Comment: Variant summary: GAA c.664G>A (p.Val222Met) results in a conservative amino acid change located in the Galactose mutarotase, N-terminal barrel domain of the encoded protein sequence. Four of five in-silico tools predict a damaging effect of the variant on protein function. The variant allele was found at a frequency of 0.00077 in 244194 control chromosomes, predominantly at a frequency of 0.0054 within the South Asian subpopulation in the gnomAD database, including 4 homozygotes. The observed variant frequency within South Asian control individuals in the gnomAD database is approximately 1.28 fold of the estimated maximal expected allele frequency for a pathogenic variant in GAA causing Glycogen Storage Disease, Type 2 (Pompe Disease) phenotype (0.0042), strongly suggesting that the variant is a benign polymorphism found primarily in populations of South Asian origin. Three clinical diagnostic laboratories have submitted clinical-significance assessments for this variant to ClinVar after 2014 without evidence for independent evaluation. All laboratories classified the variant as benign/likely benign. Based on the evidence outlined above, the variant was classified as likely benign.

Fulgent Genetics
Classification: Likely benign for Glycogen storage disease, type II. Last evaluated: 2021-10-14. Review status: criteria provided, single submitter. Criteria: ACMG Guidelines, 2015. Collection method: clinical testing. Allele origin: unknown.

GeneDx
Classification: Likely benign. Last evaluated: 2020-09-22. Review status: criteria provided, single submitter. Criteria: GeneDx Variant Classification Process June 2021. Collection method: clinical testing. Allele origin: germline. Affected: yes.
Comment: This variant is associated with the following publications: (PMID: 24627108, 29095812, 23430949, 22644586, 33202836)

Eurofins Ntd Llc (ga)
Classification: Benign. Last evaluated: 2016-08-23. Review status: criteria provided, single submitter. Criteria: EGL Classification Definitions 2015. Collection method: clinical testing. Allele origin: germline. Observed: 2 variant alleles, 2 heterozygotes.

Natera, Inc.
Classification: Likely benign for Glycogen storage disease type II. Last evaluated: 2020-02-12. Review status: no assertion criteria provided. Collection method: clinical testing. Allele origin: germline. Not counted in ClinVar's aggregate classification.

PreventionGenetics, part of Exact Sciences
Classification: Likely benign for GAA-related condition. Last evaluated: 2019-03-28. Review status: no assertion criteria provided. Collection method: clinical testing. Allele origin: germline. Not counted in ClinVar's aggregate classification.
Comment: This variant is classified as likely benign based on ACMG/AMP sequence variant interpretation guidelines (Richards et al. 2015 PMID: 25741868, with internal and published modifications).

Literature cited by the submitters: PubMed 36310651 (cited by Genomenon, Inc); PubMed 36246652 (cited by Genomenon, Inc); PubMed 33202836 (cited by Genomenon, Inc); PubMed 33073003 (cited by Genomenon, Inc); PubMed 22644586 (cited by Genomenon, Inc).